The following is an entry in ClinVar:

NM_001330078.2(NRXN1):c.2654A>G (p.Asn885Ser)

Gene: NRXN1 (neurexin 1; minus strand). Cytogenetic location: 2p16.3.
Variant type: single nucleotide variant.
Coding change: c.2654A>G on transcript NM_001330078.2 (MANE Select); coding-DNA position 2654, A replaced by G.
Protein change: p.Asn885Ser; replaces asparagine 885 with serine.
Molecular consequence: missense variant.
Genome position (GRCh38, 1-based): chr2:50,497,558, T>C on the plus strand (A>G on the coding strand, the complement: NRXN1 is on the minus strand). VCF-style: chr2-50497558-T-C. GRCh37 (hg19) VCF-style: chr2-50724696-T-C.
Other names: c.2774A>G, p.Asn925Ser (NM_001135659.3); c.2630A>G, p.Asn877Ser (NM_001330077.2, NM_001330082.2); c.2588A>G, p.Asn863Ser (NM_001330083.2, NM_001330084.2); c.2627A>G, p.Asn876Ser (NM_001330085.2); c.2654A>G, p.Asn885Ser (NM_001330086.2, NM_004801.6); c.2543A>G, p.Asn848Ser (NM_001330087.2, NM_001330096.2); c.2573A>G, p.Asn858Ser (NM_001330088.2); c.2651A>G, p.Asn884Ser (NM_001330093.2); and 2 more; short protein forms N848S, N858S, N881S, N863S, N884S, N868S, N876S, N877S.
Identifiers: ClinVar variation 855578 (VCV000855578.10), dbSNP rs994155010, ClinGen allele CA346777170.
Genomic context (GRCh38, chr2:50,497,558, plus strand): 5'-TCTGCTATGATGTTCCTGAAGCCAAATCTGGCATTAAGCTCACAGTAATCTATGTCGCCA[T>C]TTTTACACAGGTCAATGTATGCCATTCCATTAAATGTCAAGCTCTGCAGGTGTCCAATGA-3'
Protein context (NP_001317007.1, residues 875-895): NGMAYIDLCK[Asn885Ser]GDIDYCELNA

ClinVar aggregate classification (germline): Uncertain significance. Review status: criteria provided, multiple submitters, no conflicts (2 of 4 stars). 2 submissions from 2 submitters: Uncertain significance (2). Last evaluated 2025-08-08.

Conditions:
Pitt-Hopkins-like syndrome 2 (PTHSL2). Identifiers: Orphanet 221150, Orphanet 600663, MedGen C3280479, MONDO:0013690, OMIM 614325.
Inborn genetic diseases. Identifiers: MedGen C0950123, MeSH D030342.

Allele frequency attached by ClinVar (database versions not stated): gnomAD exomes below 0.00001.
gnomAD v4.1: 1 of 1,613,880 alleles (0.000062%); highest among the groups gnomAD compares: Admixed American, 0.0017%; no homozygotes.

Submissions (2):

Ambry Genetics
Classification: Uncertain significance for Inborn genetic diseases. Last evaluated: 2025-08-08. Review status: criteria provided, single submitter. Criteria: Ambry Variant Classification Scheme 2023. Collection method: clinical testing. Allele origin: germline.

Labcorp Genetics (formerly Invitae), Labcorp
Classification: Uncertain significance for Pitt-Hopkins-like syndrome 2. Last evaluated: 2022-06-20. Review status: criteria provided, single submitter. Criteria: Invitae Variant Classification Sherloc (09022015). Collection method: clinical testing. Allele origin: germline.
Comment: This sequence change replaces asparagine, which is neutral and polar, with serine, which is neutral and polar, at codon 925 of the NRXN1 protein (p.Asn925Ser). This variant is present in population databases (no rsID available, gnomAD 0.003%). This variant has not been reported in the literature in individuals affected with NRXN1-related conditions. ClinVar contains an entry for this variant (Variation ID: 855578). Algorithms developed to predict the effect of missense changes on protein structure and function (SIFT, PolyPhen-2, Align-GVGD) all suggest that this variant is likely to be tolerated. In summary, the available evidence is currently insufficient to determine the role of this variant in disease. Therefore, it has been classified as a Variant of Uncertain Significance.